The following is an entry in ClinVar:

ClinVar aggregate classification (germline): Uncertain significance. Review status: criteria provided, multiple submitters, no conflicts (2 of 4 stars). 2 submissions from 2 submitters: Uncertain significance (2). Last evaluated 2025-07-27.

Conditions:
Tuberous sclerosis 2 (TSC2). Identifiers: Orphanet 805, MedGen C1860707, MONDO:0013199, OMIM 613254.
Hereditary cancer-predisposing syndrome. Also called: Neoplastic Syndromes, Hereditary; Hereditary Cancer Syndrome; Tumor predisposition; Hereditary neoplastic syndrome. Identifiers: Orphanet 140162, MedGen C0027672, MeSH D009386, MONDO:0015356.

Submissions (2):

Labcorp Genetics (formerly Invitae), Labcorp
Classification: Uncertain significance for Tuberous sclerosis 2. Last evaluated: 2025-07-27. Review status: criteria provided, single submitter. Criteria: Invitae Variant Classification Sherloc (09022015). Collection method: clinical testing. Allele origin: germline.
Comment: This sequence change replaces glutamic acid, which is acidic and polar, with glycine, which is neutral and non-polar, at codon 1692 of the TSC2 protein (p.Glu1692Gly). This variant is not present in population databases (gnomAD no frequency). This variant has not been reported in the literature in individuals affected with TSC2-related conditions. ClinVar contains an entry for this variant (Variation ID: 1468762). Invitae Evidence Modeling of protein sequence and biophysical properties (such as structural, functional, and spatial information, amino acid conservation, physicochemical variation, residue mobility, and thermodynamic stability) indicates that this missense variant is not expected to disrupt TSC2 protein function with a negative predictive value of 95%. In summary, the available evidence is currently insufficient to determine the role of this variant in disease. Therefore, it has been classified as a Variant of Uncertain Significance.

Ambry Genetics
Classification: Uncertain significance for Hereditary cancer-predisposing syndrome. Last evaluated: 2024-01-20. Review status: criteria provided, single submitter. Criteria: Ambry Variant Classification Scheme 2023. Collection method: clinical testing. Allele origin: germline.
Comment: The p.E1692G variant (also known as c.5075A>G), located in coding exon 39 of the TSC2 gene, results from an A to G substitution at nucleotide position 5075. The glutamic acid at codon 1692 is replaced by glycine, an amino acid with similar properties. This amino acid position is conserved. In addition, this alteration is predicted to be deleterious by in silico analysis. Based on the available evidence, the clinical significance of this alteration remains unclear.

NM_000548.5(TSC2):c.5075A>G (p.Glu1692Gly)

Gene: TSC2 (TSC complex subunit 2; plus strand). Cytogenetic location: 16p13.3.
Variant type: single nucleotide variant.
Coding change: c.5075A>G on transcript NM_000548.5 (MANE Select); coding-DNA position 5075, A replaced by G.
Protein change: p.Glu1692Gly; replaces glutamic acid 1692 with glycine.
Molecular consequence: missense variant.
Genome position (GRCh38, 1-based): chr16:2,088,054, A>G. VCF-style: chr16-2088054-A-G. GRCh37 (hg19) VCF-style: chr16-2138055-A-G.
Other names: c.4874A>G, p.Glu1625Gly (NM_001077183.3); c.5006A>G, p.Glu1669Gly (NM_001114382.3); c.4766A>G, p.Glu1589Gly (NM_001318827.2); c.4730A>G, p.Glu1577Gly (NM_001318829.2); c.4343A>G, p.Glu1448Gly (NM_001318831.2); c.4907A>G, p.Glu1636Gly (NM_001318832.2); c.4877A>G, p.Glu1626Gly (NM_001363528.2); c.4943A>G, p.Glu1648Gly (NM_001370404.1); and 2 more; short protein forms E1636G, E1669G, E1448G, E1626G, E1648G, E1649G, E1577G, E1589G.
Identifiers: ClinVar variation 1468762 (VCV001468762.9), dbSNP rs984930044, ClinGen allele CA276758823.